The following is an entry in ClinVar:

ClinVar aggregate classification (germline): Uncertain significance. Review status: criteria provided, multiple submitters, no conflicts (2 of 4 stars). 3 submissions from 3 submitters: Uncertain significance (3). Last evaluated 2024-06-03.

Conditions:
Congenital glucose-galactose malabsorption (GGM). Also called: MONOSACCHARIDE MALABSORPTION; DIARRHEA 16. Identifiers: Orphanet 35710, MedGen C0268186, MONDO:0011731, OMIM 606824.

Allele frequency attached by ClinVar (database versions not stated): TOPMed 0.00004; gnomAD 0.00005 and 0.00006; ExAC 0.00006; gnomAD exomes 0.00008 and 0.00015.
gnomAD v4.1: 226 of 1,614,072 alleles (0.014%); highest among the groups gnomAD compares: Non-Finnish European, 0.018%; no homozygotes.

Submissions (3):

Fulgent Genetics
Classification: Uncertain significance for Congenital glucose-galactose malabsorption. Last evaluated: 2024-06-03. Review status: criteria provided, single submitter. Criteria: ACMG Guidelines, 2015. Collection method: clinical testing. Allele origin: germline.

Labcorp Genetics (formerly Invitae), Labcorp
Classification: Uncertain significance for Congenital glucose-galactose malabsorption. Last evaluated: 2022-04-25. Review status: criteria provided, single submitter. Criteria: Invitae Variant Classification Sherloc (09022015). Collection method: clinical testing. Allele origin: germline.
Comment: This sequence change replaces leucine, which is neutral and non-polar, with valine, which is neutral and non-polar, at codon 338 of the SLC5A1 protein (p.Leu338Val). This variant is present in population databases (rs201216997, gnomAD 0.02%). This variant has not been reported in the literature in individuals affected with SLC5A1-related conditions. ClinVar contains an entry for this variant (Variation ID: 341245). Algorithms developed to predict the effect of missense changes on protein structure and function (SIFT, PolyPhen-2, Align-GVGD) all suggest that this variant is likely to be disruptive. In summary, the available evidence is currently insufficient to determine the role of this variant in disease. Therefore, it has been classified as a Variant of Uncertain Significance.

Illumina Laboratory Services, Illumina
Classification: Uncertain significance for Congenital glucose-galactose malabsorption. Last evaluated: 2018-01-13. Review status: criteria provided, single submitter. Criteria: ICSL Variant Classification Criteria 13 December 2019. Collection method: clinical testing. Allele origin: germline.

NM_000343.4(SLC5A1):c.1012C>G (p.Leu338Val)

Gene: SLC5A1 (solute carrier family 5 member 1; plus strand). Cytogenetic location: 22q12.3.
Variant type: single nucleotide variant.
Coding change: c.1012C>G on transcript NM_000343.4 (MANE Select); coding-DNA position 1012, C replaced by G.
Protein change: p.Leu338Val; replaces leucine 338 with valine.
Molecular consequence: missense variant.
Genome position (GRCh38, 1-based): chr22:32,085,026, C>G. VCF-style: chr22-32085026-C-G. GRCh37 (hg19) VCF-style: chr22-32481013-C-G.
Other names: c.631C>G, p.Leu211Val (NM_001256314.2); short protein forms L338V, L211V.
Identifiers: ClinVar variation 341245 (VCV000341245.7), dbSNP rs201216997, ClinGen allele CA10198116.